The following is an entry in ClinVar:

NM_003098.3(SNTA1):c.149G>A (p.Gly50Asp)

Gene: SNTA1 (syntrophin alpha 1; minus strand). Cytogenetic location: 20q11.21.
Variant type: single nucleotide variant.
Coding change: c.149G>A on transcript NM_003098.3 (MANE Select); coding-DNA position 149, G replaced by A.
Protein change: p.Gly50Asp; replaces glycine 50 with aspartic acid.
Molecular consequence: missense variant.
Genome position (GRCh38, 1-based): chr20:33,443,472, C>T on the plus strand (G>A on the coding strand, the complement: SNTA1 is on the minus strand). VCF-style: chr20-33443472-C-T. GRCh37 (hg19) VCF-style: chr20-32031278-C-T.
Other names: short protein forms G50D.
Identifiers: ClinVar variation 1773955 (VCV001773955.3), dbSNP rs1191388027, ClinGen allele CA408634368.

ClinVar aggregate classification (germline): Uncertain significance (1 of 4 stars; one submission).

Conditions:
Cardiovascular phenotype. Identifiers: MedGen CN230736.

Submission:

Ambry Genetics
Classification: Uncertain significance for Cardiovascular phenotype. Last evaluated: 2025-12-11. Review status: criteria provided, single submitter. Criteria: Ambry Variant Classification Scheme 2023. Collection method: clinical testing. Allele origin: germline.
Comment: The p.G50D variant (also known as c.149G>A), located in coding exon 1 of the SNTA1 gene, results from a G to A substitution at nucleotide position 149. The glycine at codon 50 is replaced by aspartic acid, an amino acid with similar properties. This amino acid position is not well conserved in available vertebrate species, and aspartic acid is the reference amino acid in other vertebrate species. In addition, this alteration is predicted to be tolerated by in silico analysis. Since supporting evidence is limited at this time, the clinical significance of this alteration remains unclear.